The following is an entry in ClinVar:

ClinVar aggregate classification (germline): Uncertain significance. Review status: criteria provided, multiple submitters, no conflicts (2 of 4 stars). 2 submissions from 2 submitters: Uncertain significance (2). Last evaluated 2024-06-26.

Conditions:
Inborn genetic diseases. Identifiers: MedGen C0950123, MeSH D030342.
Congenital myasthenic syndrome 8. Also called: Myasthenic syndrome, congenital, 8, with pre- and postsynaptic defects; MYASTHENIC SYNDROME, CONGENITAL, DUE TO AGRIN DEFICIENCY. Identifiers: Orphanet 590, MedGen C3808739, MONDO:0014052, OMIM 615120.

Allele frequency attached by ClinVar (database versions not stated): gnomAD exomes below 0.00001 and 0.00001; gnomAD 0.00001; TOPMed 0.00006.

Submissions (2):

Ambry Genetics
Classification: Uncertain significance for Inborn genetic diseases. Last evaluated: 2024-06-26. Review status: criteria provided, single submitter. Criteria: Ambry Variant Classification Scheme 2023. Collection method: clinical testing. Allele origin: germline.

Labcorp Genetics (formerly Invitae), Labcorp
Classification: Uncertain significance for Congenital myasthenic syndrome 8. Last evaluated: 2022-06-20. Review status: criteria provided, single submitter. Criteria: Invitae Variant Classification Sherloc (09022015). Collection method: clinical testing. Allele origin: germline.
Comment: This sequence change replaces arginine, which is basic and polar, with glutamine, which is neutral and polar, at codon 1287 of the AGRN protein (p.Arg1287Gln). The frequency data for this variant in the population databases is considered unreliable, as metrics indicate poor data quality at this position in the gnomAD database. This variant has not been reported in the literature in individuals affected with AGRN-related conditions. Algorithms developed to predict the effect of missense changes on protein structure and function (SIFT, PolyPhen-2, Align-GVGD) all suggest that this variant is likely to be tolerated. Algorithms developed to predict the effect of sequence changes on RNA splicing suggest that this variant may create or strengthen a splice site. In summary, the available evidence is currently insufficient to determine the role of this variant in disease. Therefore, it has been classified as a Variant of Uncertain Significance.

NM_198576.4(AGRN):c.3860G>A (p.Arg1287Gln)

Gene: AGRN (agrin; plus strand). Cytogenetic location: 1p36.33.
Variant type: single nucleotide variant.
Coding change: c.3860G>A on transcript NM_198576.4 (MANE Select); coding-DNA position 3860, G replaced by A.
Protein change: p.Arg1287Gln; replaces arginine 1287 with glutamine.
Molecular consequence: missense variant.
Genome position (GRCh38, 1-based): chr1:1,048,120, G>A. VCF-style: chr1-1048120-G-A. GRCh37 (hg19) VCF-style: chr1-983500-G-A.
Other names: c.3860G>A, p.Arg1287Gln (NM_001305275.2); c.3545G>A, p.Arg1182Gln (NM_001364727.2); c.3860G>A (NM_198576.3); short protein forms R1287Q, R1182Q.
Identifiers: ClinVar variation 1475357 (VCV001475357.6), dbSNP rs1236736432, ClinGen allele CA337852723.